The following is an entry in ClinVar:

ClinVar aggregate classification (germline): Uncertain significance (1 of 4 stars; one submission).

Allele frequency attached by ClinVar (database versions not stated): ExAC 0.00001; gnomAD 0.00001.
gnomAD v4.1: 4 of 1,613,908 alleles (0.00025%); highest among the groups gnomAD compares: East Asian, 0.0022%; no homozygotes.

Submission:

ARUP Laboratories, Molecular Genetics and Genomics, ARUP Laboratories
Classification: Uncertain significance. Last evaluated: 2020-03-12. Review status: criteria provided, single submitter. Criteria: ARUP Molecular Germline Variant Investigation Process. Collection method: clinical testing. Allele origin: germline.
Comment: The WDR35 c.529A>G; p.Asn177Asp variant (rs747028453), to our knowledge, is not reported in the medical literature or gene-specific databases. This variant is found on a single chromosomes in the Genome Aggregation Database (1/31390 alleles), indicating it is not a common polymorphism. The asparagine at codon 177 is highly conserved, but computational analyses (SIFT, PolyPhen-2) predict that this variant is tolerated. However, given the lack of clinical and functional data, the significance of the p.Asn177Asp variant is uncertain at this time.

NM_020779.4(WDR35):c.529A>G (p.Asn177Asp)

Gene: WDR35 (WD repeat domain 35; minus strand). Cytogenetic location: 2p24.1.
Variant type: single nucleotide variant.
Coding change: c.529A>G on transcript NM_020779.4 (MANE Select); coding-DNA position 529, A replaced by G.
Protein change: p.Asn177Asp; replaces asparagine 177 with aspartic acid.
Molecular consequence: missense variant.
Genome position (GRCh38, 1-based): chr2:19,975,571, T>C on the plus strand (A>G on the coding strand, the complement: WDR35 is on the minus strand). VCF-style: chr2-19975571-T-C. GRCh37 (hg19) VCF-style: chr2-20175332-T-C.
Other names: c.529A>G, p.Asn177Asp (NM_001006657.2); short protein forms N177D.
Identifiers: ClinVar variation 994285 (VCV000994285.8), dbSNP rs747028453, ClinGen allele CA1543501.